The following is an entry in ClinVar:

NM_014956.5(CEP164):c.1996G>T (p.Glu666Ter)

Gene: CEP164 (centrosomal protein 164; plus strand). Cytogenetic location: 11q23.3.
Variant type: single nucleotide variant.
Coding change: c.1996G>T on transcript NM_014956.5 (MANE Select); coding-DNA position 1996, G replaced by T.
Protein change: p.Glu666Ter; replaces glutamic acid 666 with a stop codon.
Molecular consequence: nonsense.
Genome position (GRCh38, 1-based): chr11:117,390,838, G>T. VCF-style: chr11-117390838-G-T. GRCh37 (hg19) VCF-style: chr11-117261554-G-T.
Other names: c.2005G>T, p.Glu669Ter (NM_001271933.2); short protein forms E669*, E666*.
Identifiers: ClinVar variation 1454049 (VCV001454049.6), dbSNP rs2136318333, ClinGen allele CA382721102.

ClinVar aggregate classification (germline): Pathogenic (1 of 4 stars; one submission).

Conditions:
Nephronophthisis 15 (NPHP15). Identifiers: Orphanet 3156, MedGen C3541853, MONDO:0013917, OMIM 614845.

Submission:

Labcorp Genetics (formerly Invitae), Labcorp
Classification: Pathogenic for Nephronophthisis 15. Last evaluated: 2021-12-13. Review status: criteria provided, single submitter. Criteria: Invitae Variant Classification Sherloc (09022015). Collection method: clinical testing. Allele origin: germline.
Comment: For these reasons, this variant has been classified as Pathogenic. This variant has not been reported in the literature in individuals affected with CEP164-related conditions. This variant is not present in population databases (gnomAD no frequency). This sequence change creates a premature translational stop signal (p.Glu666*) in the CEP164 gene. It is expected to result in an absent or disrupted protein product. Loss-of-function variants in CEP164 are known to be pathogenic (PMID: 22863007, 28125082, 32367404, 34132027, 34499853).

Literature cited by the submitters: PubMed 22863007; PubMed 28125082; PubMed 32367404; PubMed 34132027; PubMed 34499853.